The following is an entry in ClinVar:

NM_001457.4(FLNB):c.2005A>G (p.Thr669Ala)

Gene: FLNB (filamin B; plus strand). Cytogenetic location: 3p14.3.
Variant type: single nucleotide variant.
Coding change: c.2005A>G on transcript NM_001457.4 (MANE Select); coding-DNA position 2005, A replaced by G.
Protein change: p.Thr669Ala; replaces threonine 669 with alanine.
Molecular consequence: missense variant.
Genome position (GRCh38, 1-based): chr3:58,108,521, A>G. VCF-style: chr3-58108521-A-G. GRCh37 (hg19) VCF-style: chr3-58094248-A-G.
Other names: c.2005A>G, p.Thr669Ala (NM_001164317.2, NM_001164318.2, NM_001164319.2); short protein forms T669A.
Identifiers: ClinVar variation 618659 (VCV000618659.21), dbSNP rs147481678, ClinGen allele CA2467995.
Genomic context (GRCh38, chr3:58,108,521, plus strand): 5'-CGAGCATACGGGCCAGGTTTGGAGAAATCTGGATGCATTGTCAACAACCTGGCCGAGTTC[A>G]CTGTGGATCCTAAGGATGCTGGAAAAGCTCCCTTAAAGATATTTGCTCAGGTAAATTTCA-3'
Protein context (NP_001448.2, residues 659-679): GCIVNNLAEF[Thr669Ala]VDPKDAGKAP

ClinVar aggregate classification (germline): Conflicting classifications of pathogenicity. Review status: criteria provided, conflicting classifications (1 of 4 stars). 4 submissions from 4 submitters: Uncertain significance (3); Likely benign (1). Last evaluated 2026-01-26.

Conditions:
FLNB-related disorder. Also called: FLNB-related condition; FLNB-related disorders. Identifiers: MedGen CN381095.

Allele frequency attached by ClinVar (database versions not stated): gnomAD 0.00003; gnomAD exomes 0.00008; ExAC 0.00009; TOPMed 0.00010; ESP Exome Variant Server 0.00015.
gnomAD v4.1: 351 of 1,614,012 alleles (0.022%); highest among the groups gnomAD compares: Non-Finnish European, 0.028%; 1 homozygote.

Submissions (4):

PreventionGenetics, part of Exact Sciences
Classification: Uncertain significance for FLNB-related condition. Last evaluated: 2026-01-26. Review status: criteria provided, single submitter. Criteria: ACMG Guidelines, 2015. Collection method: clinical testing. Allele origin: germline.
Comment: The FLNB c.2005A>G variant is predicted to result in the amino acid substitution p.Thr669Ala. To our knowledge, this variant has not been reported in the literature. This variant is reported in 0.013% of alleles in individuals of European (Non-Finnish) descent in gnomAD. Although we suspect that this variant may be benign, at this time, the clinical significance of this variant is uncertain due to the absence of conclusive functional and genetic evidence.

Labcorp Genetics (formerly Invitae), Labcorp
Classification: Likely benign. Last evaluated: 2026-01-11. Review status: criteria provided, single submitter. Criteria: Invitae Variant Classification Sherloc (09022015). Collection method: clinical testing. Allele origin: germline.

GeneDx
Classification: Uncertain significance. Last evaluated: 2020-08-11. Review status: criteria provided, single submitter. Criteria: GeneDx Variant Classification Process June 2021. Collection method: clinical testing. Allele origin: germline. Affected: yes.
Comment: In silico analysis supports that this missense variant has a deleterious effect on protein structure/function; Has not been previously published as pathogenic or benign to our knowledge

ARUP Laboratories, Molecular Genetics and Genomics, ARUP Laboratories
Classification: Uncertain significance. Last evaluated: 2018-06-30. Review status: criteria provided, single submitter. Criteria: ARUP Molecular Germline Variant Investigation Process. Collection method: clinical testing. Allele origin: germline.
Comment: The FLNB c.2005A>G; p.Thr669Ala variant (rs147481678), to our knowledge, is not reported in the medical literature or gene specific databases. This variant is found in the non-Finnish European population with an overall allele frequency of 0.013% (16/126686 alleles) in the Genome Aggregation Database. The threonine at codon 669 is moderately conserved and computational analyses (SIFT: damaging, PolyPhen-2: benign) predict conflicting effects of this variant on protein structure/function. Due to limited information, the clinical significance of the c.2005A>G variant is uncertain at this time.